The following is an entry in ClinVar:

ClinVar aggregate classification (germline): Uncertain significance (1 of 4 stars; one submission).

Allele frequency attached by ClinVar (database versions not stated): TOPMed below 0.00001; gnomAD 0.00002; ExAC 0.00004; gnomAD exomes 0.00007.
gnomAD v4.1: 108 of 1,614,098 alleles (0.0067%); highest among the groups gnomAD compares: East Asian, 0.24%; no homozygotes.

Submission:

GeneDx
Classification: Uncertain significance. Last evaluated: 2022-08-16. Review status: criteria provided, single submitter. Criteria: GeneDx Variant Classification Process June 2021. Collection method: clinical testing. Allele origin: germline. Affected: yes.
Comment: In silico analysis supports that this missense variant does not alter protein structure/function; Has not been previously published as pathogenic or benign to our knowledge

NM_005085.4(NUP214):c.4063A>G (p.Thr1355Ala)

Gene: NUP214 (nucleoporin 214; plus strand). Cytogenetic location: 9q34.13.
Variant type: single nucleotide variant.
Coding change: c.4063A>G on transcript NM_005085.4 (MANE Select); coding-DNA position 4063, A replaced by G.
Protein change: p.Thr1355Ala; replaces threonine 1355 with alanine.
Molecular consequence: missense variant.
Genome position (GRCh38, 1-based): chr9:131,197,557, A>G. VCF-style: chr9-131197557-A-G. GRCh37 (hg19) VCF-style: chr9-134072944-A-G.
Other names: c.4033A>G, p.Thr1345Ala (NM_001318324.2); c.541A>G, p.Thr181Ala (NM_001318325.2); short protein forms T1345A, T1355A, T181A.
Identifiers: ClinVar variation 2430590 (VCV002430590.1), dbSNP rs760888894, ClinGen allele CA5289869.